The following is an entry in ClinVar:

ClinVar aggregate classification (germline): Pathogenic. Review status: reviewed by expert panel (3 of 4 stars). 3 submissions from 3 submitters: Pathogenic (1). 2 of the submissions do not count toward it. Last evaluated 2020-09-04.

Conditions:
Glanzmann thrombasthenia 1 (GT1). Also called: BLEEDING DISORDER, PLATELET-TYPE, 2; GP IIb-IIIa COMPLEX DEFICIENCY; GLYCOPROTEIN COMPLEX IIb-IIIa DEFICIENCY; PLATELET FIBRINOGEN RECEPTOR DEFICIENCY. Identifiers: MedGen CN300358, MONDO:0031332, OMIM 273800.
ITGA2B-related disorder. Also called: ITGA2B-related disorders; ITGA2B-related condition.
Glanzmann thrombasthenia. Also called: THROMBASTHENIA OF GLANZMANN AND NAEGELI; PLATELET GLYCOPROTEIN IIb-IIIa DEFICIENCY; Glanzmann's thrombasthenia; Thrombasthenia. Identifiers: Orphanet 849, MedGen C0040015, MONDO:0100326.

Allele frequency attached by ClinVar (database versions not stated): gnomAD exomes below 0.00001.
gnomAD v4.1: 3 of 1,613,812 alleles (0.00019%); highest among the groups gnomAD compares: African/African-American, 0.0013%; no homozygotes.

Submissions (3):

ClinGen Platelet Disorders Variant Curation Expert Panel, ClinGen
Classification: Pathogenic for Glanzmann thrombasthenia. Last evaluated: 2020-09-04. Review status: reviewed by expert panel. Criteria: ClinGen Platelet ACMG Specifications v2-1. Collection method: curation. Allele origin: germline. Inheritance: Autosomal recessive inheritance.
Comment: The c.1878G>C; p.Gln626His splicing variant has been reported in at least 5 GT probands (PMIDs: 20020534, 22513797, 25728920, 21113249, 29474205) and co-segregated in one additional affected family member (PMID: 22513797). It is absent from ExAC and gnomAD. Flow cytometric studies of the mutant protein expressed in COS-7 cells showed that the mutation did not prevent expression of the GPIIb/IIIa complex on the cell surface (PMID: 20020534). However, the mutation was found to result in a splice site error, skipping of exon 18, which could explain the absence of mRNA in the patients (PMID: 20020534). Splicing predictors, HSF and MaxEntScan, agree that there is alteration to the WT donor site, most likely affecting splicing. In summary, this variant meets criteria to be classified as pathogenic for GT. GT-specific criteria applied: PM2_Supporting, PM3, PM4, PP3, PP4_Strong, and PP1.

Blueprint Genetics
Classification: Pathogenic for ITGA2B-related disorders. Last evaluated: 2021-09-21. Review status: criteria provided, single submitter. Criteria: ACMG Guidelines, 2015. Collection method: clinical testing. Allele origin: germline. Affected: yes. Observed: 1 variant allele. Not counted in ClinVar's aggregate classification.

OMIM
Classification: Pathogenic for GLANZMANN THROMBASTHENIA 1. Last evaluated: 2010-03-01. Review status: no assertion criteria provided. Collection method: literature only. Allele origin: germline. Not counted in ClinVar's aggregate classification.

Literature cited by the submitters: PubMed 20020534 (cited by OMIM).

NM_000419.5(ITGA2B):c.1878G>C (p.Gln626His)

Gene: ITGA2B (integrin subunit alpha 2b; minus strand). Cytogenetic location: 17q21.31.
Variant type: single nucleotide variant.
Coding change: c.1878G>C on transcript NM_000419.5 (MANE Select); coding-DNA position 1878, G replaced by C.
Protein change: p.Gln626His; replaces glutamine 626 with histidine.
Molecular consequence: missense variant.
Genome position (GRCh38, 1-based): chr17:44,379,689, C>G on the plus strand (G>C on the coding strand, the complement: ITGA2B is on the minus strand). VCF-style: chr17-44379689-C-G. GRCh37 (hg19) VCF-style: chr17-42457057-C-G.
Other names: Q595H; c.1878G>C, p.Gln626His (LRG_479t1); short protein forms Q626H.
Identifiers: ClinVar variation 2903 (VCV000002903.7), dbSNP rs80277041, ClinGen allele CA115852.
Genomic context (GRCh38, chr17:44,379,689, plus strand): 5'-TAATCCTGATTTGCTATCAGGGGTCCTGCACCTCCCTGGCCTGTCCCTGCCTGTCCCTAC[C>G]TGCTCCTGCACATGGGTGTCTCCATGCAGCACGACAGCAGGGGCCATTCCAGCCTCCGTG-3'
Protein context (NP_000410.2, residues 616-636): VLHGDTHVQE[Gln626His]TRIVLDCGED